The following is an entry in ClinVar:

ClinVar aggregate classification (germline): Uncertain significance (1 of 4 stars; one submission).

Conditions:
Inborn genetic diseases. Identifiers: MedGen C0950123, MeSH D030342.

Submission:

Ambry Genetics
Classification: Uncertain significance for Inborn genetic diseases. Last evaluated: 2025-04-09. Review status: criteria provided, single submitter. Criteria: Ambry Variant Classification Scheme 2023. Collection method: clinical testing. Allele origin: germline.
Comment: The p.Q99P variant (also known as c.296A>C), located in coding exon 1 of the SAMD9 gene, results from an A to C substitution at nucleotide position 296. The glutamine at codon 99 is replaced by proline, an amino acid with similar properties. This amino acid position is conserved. In addition, this alteration is predicted to be tolerated by in silico analysis. Based on the available evidence, the clinical significance of this variant remains unclear.

NM_017654.4(SAMD9):c.296A>C (p.Gln99Pro)

Gene: SAMD9 (sterile alpha motif domain containing 9; minus strand). Cytogenetic location: 7q21.2.
Variant type: single nucleotide variant.
Coding change: c.296A>C on transcript NM_017654.4 (MANE Select); coding-DNA position 296, A replaced by C.
Protein change: p.Gln99Pro; replaces glutamine 99 with proline.
Molecular consequence: missense variant.
Genome position (GRCh38, 1-based): chr7:93,105,802, T>G on the plus strand (A>C on the coding strand, the complement: SAMD9 is on the minus strand). VCF-style: chr7-93105802-T-G. GRCh37 (hg19) VCF-style: chr7-92735115-T-G.
Other names: c.296A>C, p.Gln99Pro (NM_001193307.2); short protein forms Q99P.
Identifiers: ClinVar variation 3949531 (VCV003949531.1).